The following is an entry in ClinVar:

ClinVar aggregate classification (germline): Uncertain significance (1 of 4 stars; one submission).

Conditions:
Familial adenomatous polyposis 1 (FAP1). Also called: FAMILIAL ADENOMATOUS POLYPOSIS 1, ATTENUATED; POLYPOSIS, ADENOMATOUS INTESTINAL. Identifiers: MedGen C2713442, MONDO:0021056, OMIM 175100. Disease mechanism: loss of function.

Allele frequency attached by ClinVar (database versions not stated): TOPMed below 0.00001.

Submission:

Labcorp Genetics (formerly Invitae), Labcorp
Classification: Uncertain significance for Familial adenomatous polyposis 1. Last evaluated: 2025-10-29. Review status: criteria provided, single submitter. Criteria: Invitae Variant Classification Sherloc (09022015). Collection method: clinical testing. Allele origin: germline.
Comment: This variant occurs in a non-coding region of the APC gene. It does not change the encoded amino acid sequence of the APC protein. This variant is not present in population databases (gnomAD no frequency). This variant has not been reported in the literature in individuals affected with APC-related conditions. Experimental studies and prediction algorithms are not available or were not evaluated, and the functional significance of this variant is currently unknown. In summary, the available evidence is currently insufficient to determine the role of this variant in disease. Therefore, it has been classified as a Variant of Uncertain Significance.

NM_001127511.3(APC):c.-86G>A

Gene: APC (APC regulator of Wnt signaling pathway; plus strand). Cytogenetic location: 5q22.2.
Variant type: single nucleotide variant.
Coding change: c.-86G>A on transcript NM_001127511.3; 86 bases upstream of the start codon, G replaced by A.
Molecular consequence: 5 prime UTR variant. On other transcripts: non-coding transcript variant (2).
Genome position (GRCh38, 1-based): chr5:112,707,632, G>A. VCF-style: chr5-112707632-G-A. GRCh37 (hg19) VCF-style: chr5-112043329-G-A.
Other names: c.-269G>A (NM_001354895.2, NM_001407447.1, NM_001407452.1 and 3 more transcripts); c.-86G>A (NM_001354897.2, NM_001354902.2, NM_001407446.1); c.-36G>A (NM_001407448.1, NM_001407450.1, NM_001407457.1 and 1 more transcripts); c.-60G>A (NM_001407453.1); c.-1304G>A (NM_001407470.1, NM_001407472.1).
Identifiers: ClinVar variation 1054924 (VCV001054924.7), dbSNP rs926522652, ClinGen allele CA124925054.